The following is an entry in ClinVar:

ClinVar aggregate classification (germline): Uncertain significance (1 of 4 stars; one submission).

Conditions:
Primary ciliary dyskinesia. Also called: Ciliary dyskinesia. Identifiers: Orphanet 244, MedGen C0008780, MONDO:0016575, HP:0012265.

Allele frequency attached by ClinVar (database versions not stated): ExAC 0.00001.
gnomAD v4.1: 3 of 1,614,124 alleles (0.00019%); highest among the groups gnomAD compares: Middle Eastern, 0.016%; no homozygotes.

Submission:

Labcorp Genetics (formerly Invitae), Labcorp
Classification: Uncertain significance for Primary ciliary dyskinesia. Last evaluated: 2022-09-01. Review status: criteria provided, single submitter. Criteria: Invitae Variant Classification Sherloc (09022015). Collection method: clinical testing. Allele origin: germline.
Comment: This sequence change replaces alanine, which is neutral and non-polar, with proline, which is neutral and non-polar, at codon 700 of the DNAH5 protein (p.Ala700Pro). This variant is present in population databases (rs776296737, gnomAD 0.0009%). This variant has not been reported in the literature in individuals affected with DNAH5-related conditions. Advanced modeling of protein sequence and biophysical properties (such as structural, functional, and spatial information, amino acid conservation, physicochemical variation, residue mobility, and thermodynamic stability) performed at Invitae indicates that this missense variant is not expected to disrupt DNAH5 protein function. In summary, the available evidence is currently insufficient to determine the role of this variant in disease. Therefore, it has been classified as a Variant of Uncertain Significance.

NM_001369.3(DNAH5):c.2098G>C (p.Ala700Pro)

Genes: DNAH5 (dynein axonemal heavy chain 5; minus strand), DNAH5-AS1 (DNAH5 antisense RNA 1; plus strand). Cytogenetic location: 5p15.2.
Variant type: single nucleotide variant.
Coding change: c.2098G>C on transcript NM_001369.3 (MANE Select); coding-DNA position 2098, G replaced by C.
Protein change: p.Ala700Pro; replaces alanine 700 with proline.
Molecular consequence: missense variant.
Genome position (GRCh38, 1-based): chr5:13,900,367, C>G on the plus strand (G>C on the coding strand, the complement: DNAH5 is on the minus strand). VCF-style: chr5-13900367-C-G. GRCh37 (hg19) VCF-style: chr5-13900476-C-G.
Other names: short protein forms A700P.
Identifiers: ClinVar variation 2079843 (VCV002079843.1), dbSNP rs776296737, ClinGen allele CA3204658.